The following is an entry in ClinVar:

NM_000377.3(WAS):c.273+11dup

Gene: WAS (WASP actin nucleation promoting factor; plus strand). Cytogenetic location: Xp11.23.
Variant type: Duplication.
Coding change: c.273+11dup on transcript NM_000377.3 (MANE Select); 11 bases into the intron after coding-DNA position 273, one base duplicated (C; older notation c.273+11dupC).
Molecular consequence: intron variant.
Genome position (GRCh38, 1-based): chrX:48,684,434, C duplicated; the last of 7 consecutive C bases (chrX:48,684,428-48,684,434); duplicating any one gives the same sequence. VCF-style (leftmost placement, unchanged base first): chrX-48684427-A-AC. GRCh37 (hg19) VCF-style: chrX-48542816-A-AC.
Other names: p.?; c.273+11dupC (NM_000377.2).
Identifiers: ClinVar variation 255964 (VCV000255964.48), dbSNP rs58371799, ClinGen allele CA10403877.
Genomic context (GRCh38, chrX:48,684,427, plus strand): 5'-TGCTTCGTGAAGGATAACCCCCAGAAGTCCTACTTCATCCGCCTTTACGGCCTTCAGGTG[A>AC]CCCCCCCACCCCCGACTGGACTTGCAAGCCAGTTCTCAACCCGCAAACCCAGATCTGTGT-3'

ClinVar aggregate classification (germline): Benign/Likely benign. Review status: criteria provided, multiple submitters, no conflicts (2 of 4 stars). 9 submissions from 9 submitters: Benign (5); Likely benign (2). 2 of the submissions do not count toward it. Last evaluated 2026-09-01.

Conditions:
Wiskott-Aldrich syndrome (WAS). Also called: ALDRICH SYNDROME; IMMUNODEFICIENCY 2; WISKOTT-ALDRICH SYNDROME 1; Wiskott-aldrich syndrome, somatic. Identifiers: Orphanet 906, MedGen C0043194, MONDO:0010518, OMIM 301000.
X-linked severe congenital neutropenia (SCNX). Identifiers: Orphanet 86788, MedGen C1845987, MONDO:0010294, OMIM 300299.
Thrombocytopenia 1. Also called: X-Linked Thrombocytopenia (XLT); THROMBOCYTOPENIA, X-LINKED, 1; X-linked thrombocytopenia with normal platelets. Identifiers: Orphanet 268322, Orphanet 852, MedGen C1839163, MONDO:0010743, OMIM 313900.

Submissions (9):

CeGaT Center for Human Genetics Tuebingen
Classification: Benign. Last evaluated: 2026-09-01. Review status: criteria provided, single submitter. Criteria: CeGaT Center For Human Genetics Tuebingen Variant Classification Criteria Version 2. Collection method: clinical testing. Allele origin: germline. Affected: yes. Observed: 86 variant alleles.
Comment: WAS: BS1, BS2

Labcorp Genetics (formerly Invitae), Labcorp
Classification: Benign for Wiskott-Aldrich syndrome; X-linked severe congenital neutropenia; Thrombocytopenia 1. Last evaluated: 2026-02-04. Review status: criteria provided, single submitter. Criteria: Invitae Variant Classification Sherloc (09022015). Collection method: clinical testing. Allele origin: germline.

ARUP Laboratories, Molecular Genetics and Genomics, ARUP Laboratories
Classification: Benign. Last evaluated: 2025-02-21. Review status: criteria provided, single submitter. Criteria: ARUP Molecular Germline Variant Investigation Process 2024. Collection method: clinical testing. Allele origin: germline.

Blueprint Genetics
Classification: Likely benign. Last evaluated: 2024-11-25. Review status: criteria provided, single submitter. Criteria: ACMG Guidelines, 2015. Collection method: clinical testing. Allele origin: germline.

Mayo Clinic Laboratories, Mayo Clinic
Classification: Benign. Last evaluated: 2023-10-09. Review status: criteria provided, single submitter. Criteria: ACMG Guidelines, 2015. Collection method: clinical testing. Allele origin: germline. Observed: 67 variant alleles.
Comment: BS1, BS2, BP7

GeneDx
Classification: Benign. Last evaluated: 2015-03-03. Review status: criteria provided, single submitter. Criteria: GeneDx Variant Classification Process June 2021. Collection method: clinical testing. Allele origin: germline. Affected: yes.

PreventionGenetics, part of Exact Sciences
Classification: Likely benign. Review status: criteria provided, single submitter. Criteria: ACMG Guidelines, 2015. Collection method: clinical testing. Allele origin: germline.

Genome Diagnostics Laboratory, Amsterdam University Medical Center
Classification: Benign. Review status: no assertion criteria provided. Collection method: clinical testing. Allele origin: germline. Affected: yes. Study: VKGL Data-share Consensus. Not counted in ClinVar's aggregate classification.

Laboratory of Diagnostic Genome Analysis, Leiden University Medical Center (LUMC)
Classification: Benign. Review status: no assertion criteria provided. Collection method: clinical testing. Allele origin: germline. Affected: yes. Study: VKGL Data-share Consensus. Not counted in ClinVar's aggregate classification.

Literature cited by the submitters: PubMed 21711396 (cited by Mayo Clinic Laboratories, Mayo Clinic); PubMed 22679904 (cited by Mayo Clinic Laboratories, Mayo Clinic).